The following is an entry in ClinVar:

ClinVar aggregate classification (germline): Pathogenic/Likely pathogenic. Review status: criteria provided, multiple submitters, no conflicts (2 of 4 stars). 4 submissions from 4 submitters: Pathogenic (2); Likely pathogenic (1). 1 of the submissions does not count toward it. Last evaluated 2024-04-18.

Conditions:
Autosomal recessive congenital ichthyosis 1 (LI1). Also called: ICHTHYOSIS CONGENITA; ICHTHYOSIS CONGENITA II; LAMELLAR EXFOLIATION OF NEWBORN; ICHTHYOSIS, CONGENITAL, AUTOSOMAL RECESSIVE 1, WITH BATHING SUIT DISTRIBUTION; ICHTHYOSIS, CONGENITAL, AUTOSOMAL RECESSIVE 1, WITH OR WITHOUT BATHING SUIT DISTRIBUTION; COLLODION FETUS. Identifiers: MedGen C4551630, MONDO:0009441, OMIM 242300.

Allele frequency attached by ClinVar (database versions not stated): gnomAD exomes below 0.00001 and 0.00001; TOPMed below 0.00001; ExAC 0.00001; gnomAD 0.00001.

Submissions (4):

Natera, Inc.
Classification: Pathogenic for Autosomal recessive congenital ichthyosis type 1. Last evaluated: 2024-04-18. Review status: criteria provided, single submitter. Criteria: Natera Variant Classification Schema (03/2026). Collection method: clinical testing. Allele origin: germline.
Comment: The c.430G>A variant in TGM1 is a missense variant predicted to cause substitution of glycine to arginine at amino acid 144. This variant is rare in the general population with a frequency below the threshold expected for the associated phenotype(s). This variant has been observed in one or more individuals affected with the associated recessive disease, as either homozygous or compound heterozygous with a second variant (PMID: 30578701, 21895619, 11064247, 9545389). A different variant at the same position has been determined to be Pathogenic or Likely Pathogenic. Computational prediction algorithms indicate this variant is likely to affect gene or protein function. Given the available evidence, this variant is classified as Pathogenic.

Labcorp Genetics (formerly Invitae), Labcorp
Classification: Pathogenic. Last evaluated: 2024-04-06. Review status: criteria provided, single submitter. Criteria: Invitae Variant Classification Sherloc (09022015). Collection method: clinical testing. Allele origin: germline.
Comment: This sequence change replaces glycine, which is neutral and non-polar, with arginine, which is basic and polar, at codon 144 of the TGM1 protein (p.Gly144Arg). This variant is present in population databases (rs778635368, gnomAD 0.005%). This missense change has been observed in individual(s) with lamellar ichthyosis (PMID: 9545389, 11064247, 21895619). In at least one individual the data is consistent with being in trans (on the opposite chromosome) from a pathogenic variant. ClinVar contains an entry for this variant (Variation ID: 556724). Advanced modeling of protein sequence and biophysical properties (such as structural, functional, and spatial information, amino acid conservation, physicochemical variation, residue mobility, and thermodynamic stability) performed at Invitae indicates that this missense variant is expected to disrupt TGM1 protein function with a positive predictive value of 95%. For these reasons, this variant has been classified as Pathogenic.

Center for Human Genetics and Genomic Medicine, Uniklinik Rwth Aachen
Classification: Likely pathogenic for Autosomal recessive congenital ichthyosis 1. Last evaluated: 2022-06-23. Review status: criteria provided, single submitter. Criteria: ACMG Guidelines, 2015. Collection method: clinical testing. Allele origin: maternal. Inheritance: Autosomal recessive inheritance. Affected: yes. Observed: 1 compound heterozygote.
Comment: The detected change is reported in the dbSNP database (dbSNP151 as of 06/23/2022) with the designation rs778635368. In gnomAD it is listed with a frequency of 0.001061% (3/282772) (as of 06/23/2022). This variant has already been described several times in the literature in patients with ichthyosis (Hennies et al., 1998, Yamamoto et al., 2012). It is located in a mutation hotspot and is bioinformatically classified as "probably disease-causing" (PolyPhen2, Mutation Taster, SIFT, CADDphred 29.3). Based on the current state of knowledge, the variant can be classified as a "likely pathogenic variant" (ACMG criteria).

Counsyl
Classification: Uncertain significance for Autosomal recessive congenital ichthyosis 1. Last evaluated: 2018-02-14. Review status: no assertion criteria provided. Collection method: clinical testing. Allele origin: unknown. Not counted in ClinVar's aggregate classification.

Literature cited by the submitters: PubMed 30578701 (cited by Natera, Inc.); PubMed 21895619 (cited by 3 submitters); PubMed 11064247 (cited by Natera, Inc. and Labcorp Genetics (formerly Invitae), Labcorp); PubMed 9545389 (cited by 3 submitters).

NM_000359.3(TGM1):c.430G>A (p.Gly144Arg)

Gene: TGM1 (transglutaminase 1; minus strand). Cytogenetic location: 14q12.
Variant type: single nucleotide variant.
Coding change: c.430G>A on transcript NM_000359.3 (MANE Select); coding-DNA position 430, G replaced by A.
Protein change: p.Gly144Arg; replaces glycine 144 with arginine.
Molecular consequence: missense variant.
Genome position (GRCh38, 1-based): chr14:24,261,773, C>T on the plus strand (G>A on the coding strand, the complement: TGM1 is on the minus strand). VCF-style: chr14-24261773-C-T. GRCh37 (hg19) VCF-style: chr14-24730979-C-T.
Other names: short protein forms G144R.
Identifiers: ClinVar variation 556724 (VCV000556724.12), dbSNP rs778635368, ClinGen allele CA7131414.